The following is an entry in ClinVar:

ClinVar aggregate classification (germline): Uncertain significance (1 of 4 stars; one submission).

Submission:

GeneDx
Classification: Uncertain significance. Last evaluated: 2024-07-29. Review status: criteria provided, single submitter. Criteria: GeneDx Variant Classification Process June 2021. Collection method: clinical testing. Allele origin: germline. Affected: yes.
Comment: Not observed at significant frequency in large population cohorts (gnomAD); In silico analysis supports that this missense variant has a deleterious effect on protein structure/function; Has not been previously published as pathogenic or benign to our knowledge

NM_001007527.2(LMBRD2):c.1598A>G (p.Tyr533Cys)

Gene: LMBRD2 (LMBR1 domain containing 2; minus strand). Cytogenetic location: 5p13.2.
Variant type: single nucleotide variant.
Coding change: c.1598A>G on transcript NM_001007527.2 (MANE Select); coding-DNA position 1598, A replaced by G.
Protein change: p.Tyr533Cys; replaces tyrosine 533 with cysteine.
Molecular consequence: missense variant.
Genome position (GRCh38, 1-based): chr5:36,114,466, T>C on the plus strand (A>G on the coding strand, the complement: LMBRD2 is on the minus strand). VCF-style: chr5-36114466-T-C. GRCh37 (hg19) VCF-style: chr5-36114568-T-C.
Other names: short protein forms Y533C.
Identifiers: ClinVar variation 3602287 (VCV003602287.1).